The following is an entry in ClinVar:

ClinVar aggregate classification (germline): Benign/Likely benign. Review status: criteria provided, multiple submitters, no conflicts (2 of 4 stars). 12 submissions from 12 submitters: Benign (6); Likely benign (6). Last evaluated 2026-09-01.

Conditions:
Ehlers-Danlos syndrome (EDS). Identifiers: Orphanet 98249, MedGen C0013720, MONDO:0020066.
Familial thoracic aortic aneurysm and aortic dissection (TAAD). Also called: Thoracic aortic aneurysms and dissections. Identifiers: Orphanet 91387, MedGen C4707243, MONDO:0019625.
Ehlers-Danlos syndrome, kyphoscoliotic type 1 (EDSKSCL1). Also called: EHLERS-DANLOS SYNDROME, TYPE VIA; Ehlers-Danlos syndrome, hydroxylysine-deficient; EHLERS-DANLOS SYNDROME, OCULAR-SCOLIOTIC TYPE; PLOD1-Related Kyphoscoliotic Ehlers-Danlos Syndrome. Identifiers: Orphanet 1900, MedGen C0268342, MONDO:0016002, OMIM 225400. Disease mechanism: loss of function.

Allele frequency attached by ClinVar (database versions not stated): 1000 Genomes Project 0.00100; 1000 Genomes Project 30x 0.00141; TOPMed 0.00271; ExAC 0.00284; ESP Exome Variant Server 0.00438.
gnomAD v4.1: 7,027 of 1,613,646 alleles (0.44%); highest among the groups gnomAD compares: Non-Finnish European, 0.56%; 28 homozygotes.

Submissions (12):

CeGaT Center for Human Genetics Tuebingen
Classification: Likely benign. Last evaluated: 2026-09-01. Review status: criteria provided, single submitter. Criteria: CeGaT Center For Human Genetics Tuebingen Variant Classification Criteria Version 2. Collection method: clinical testing. Allele origin: germline. Affected: yes. Observed: 36 variant alleles.
Comment: PLOD1: BP4, BS2

Labcorp Genetics (formerly Invitae), Labcorp
Classification: Likely benign for Ehlers-Danlos syndrome, kyphoscoliotic type 1. Last evaluated: 2026-02-04. Review status: criteria provided, single submitter. Criteria: Invitae Variant Classification Sherloc (09022015). Collection method: clinical testing. Allele origin: germline.

ARUP Laboratories, Molecular Genetics and Genomics, ARUP Laboratories
Classification: Benign for Ehlers-Danlos syndrome, kyphoscoliotic type 1. Last evaluated: 2025-07-10. Review status: criteria provided, single submitter. Criteria: ARUP Molecular Germline Variant Investigation Process 2024. Collection method: clinical testing. Allele origin: germline.

Molecular Diagnostic Laboratory for Inherited Cardiovascular Disease, Montreal Heart Institute
Classification: Benign. Last evaluated: 2025-04-09. Review status: criteria provided, single submitter. Criteria: ACMG Guidelines, 2015. Collection method: clinical testing. Allele origin: germline. Affected: no.
Comment: BS1;BP4;BP6

Mayo Clinic Laboratories, Mayo Clinic
Classification: Likely benign. Last evaluated: 2025-02-24. Review status: criteria provided, single submitter. Criteria: ACMG Guidelines, 2015. Collection method: clinical testing. Allele origin: germline. Observed: 44 variant alleles.
Comment: BS1, BP4_moderate

Blueprint Genetics
Classification: Likely benign. Last evaluated: 2024-11-26. Review status: criteria provided, single submitter. Criteria: ACMG Guidelines, 2015. Collection method: clinical testing. Allele origin: germline.

Women's Health and Genetics/Laboratory Corporation of America, LabCorp
Classification: Benign. Last evaluated: 2023-11-27. Review status: criteria provided, single submitter. Criteria: LabCorp Variant Classification Summary - May 2015. Collection method: clinical testing. Allele origin: germline.
Comment: Variant summary: PLOD1 c.555G>T (p.Lys185Asn) results in a non-conservative amino acid change in the encoded protein sequence. Three of five in-silico tools predict a benign effect of the variant on protein function. The variant allele was found at a frequency of 0.0044 in 1606674 control chromosomes in the gnomAD database (v4.0 dataset), including 28 homozygotes. The observed variant frequency is approximately 2.8 fold of the estimated maximal expected allele frequency for a pathogenic variant in PLOD1 causing Ehlers-Danlos Syndrome Type VI phenotype (0.0016), strongly suggesting that the variant is benign. c.555G>T has been reported in the literature in an individual affected with spontaneous coronary artery dissection (SCAD) but without evidence for causality (Antonutti_2021). This report does not provide unequivocal conclusions about association of the variant with Ehlers-Danlos Syndrome Type VI. To our knowledge, no experimental evidence demonstrating an impact on protein function has been reported. The following publication has been ascertained in the context of this evaluation (PMID: 33190788). Seven submitters have cited clinical-significance assessments for this variant to ClinVar after 2014. All submitters classified the variant as benign/likely benign. Based on the evidence outlined above, the variant was classified as benign.

Genome Diagnostics Laboratory, The Hospital for Sick Children
Classification: Benign for Ehlers-Danlos syndrome. Last evaluated: 2022-06-27. Review status: criteria provided, single submitter. Criteria: ACMG Guidelines, 2015. Collection method: clinical testing. Allele origin: germline.

GeneDx
Classification: Benign. Last evaluated: 2019-10-08. Review status: criteria provided, single submitter. Criteria: GeneDx Variant Classification Process June 2021. Collection method: clinical testing. Allele origin: germline. Affected: yes.

Illumina Laboratory Services, Illumina
Classification: Likely benign for Ehlers-Danlos syndrome, kyphoscoliotic type 1. Last evaluated: 2018-01-13. Review status: criteria provided, single submitter. Criteria: ICSL Variant Classification Criteria 13 December 2019. Collection method: clinical testing. Allele origin: germline.
Comment: This variant was observed in the ICSL laboratory as part of a predisposition screen in an ostensibly healthy population. It had not been previously curated by ICSL or reported in the Human Gene Mutation Database (HGMD: prior to June 1st, 2018), and was therefore a candidate for classification through an automated scoring system. Utilizing variant allele frequency, disease prevalence and penetrance estimates, and inheritance mode, an automated score was calculated to assess if this variant is too frequent to cause the disease. Based on the score and internal cut-off values, a variant classified as likely benign is not then subjected to further curation. The score for this variant resulted in a classification of likely benign for this disease.

Ambry Genetics
Classification: Benign for Familial thoracic aortic aneurysm and aortic dissection. Last evaluated: 2015-04-09. Review status: criteria provided, single submitter. Criteria: Ambry Variant Classification Scheme 2023. Collection method: clinical testing. Allele origin: germline.

Breakthrough Genomics
Classification: Likely benign. Review status: criteria provided, single submitter. Criteria: ACMG Guidelines, 2015. Collection method: not provided. Allele origin: germline. Inheritance: Autosomal recessive inheritance. Affected: yes.

Literature cited by the submitters: PubMed 33190788 (cited by Mayo Clinic Laboratories, Mayo Clinic and Women's Health and Genetics/Laboratory Corporation of America, LabCorp).

NM_000302.4(PLOD1):c.555G>T (p.Lys185Asn)

Gene: PLOD1 (procollagen-lysine,2-oxoglutarate 5-dioxygenase 1; plus strand). Cytogenetic location: 1p36.22.
Variant type: single nucleotide variant.
Coding change: c.555G>T on transcript NM_000302.4 (MANE Select); coding-DNA position 555, G replaced by T.
Protein change: p.Lys185Asn; replaces lysine 185 with asparagine.
Molecular consequence: missense variant.
Genome position (GRCh38, 1-based): chr1:11,952,711, G>T. VCF-style: chr1-11952711-G-T. GRCh37 (hg19) VCF-style: chr1-12012768-G-T.
Other names: p.Lys185Asn; c.696G>T, p.Lys232Asn (NM_001316320.2); short protein forms K185N, K232N.
Identifiers: ClinVar variation 263963 (VCV000263963.72), dbSNP rs142978362, ClinGen allele CA597940.
Genomic context (GRCh38, chr1:11,952,711, plus strand): 5'-CAAACTGGTGGCCGAGTGGGAGGGCCAGGACAGCGACAGCGATCAGCTGTTTTACACCAA[G>T]ATCTTCTTGGACCCGGAGAAGAGGGTAAGAGGCAGTGGGCGGGCCAAGGAGAGGGGGCTG-3'
Protein context (NP_000293.2, residues 175-195): DSDSDQLFYT[Lys185Asn]IFLDPEKREQ